The following is an entry in ClinVar:

NM_022042.4(SLC26A1):c.710C>T (p.Pro237Leu)

Genes: IDUA (alpha-L-iduronidase; plus strand), SLC26A1 (solute carrier family 26 member 1; minus strand). Cytogenetic location: 4p16.3.
Variant type: single nucleotide variant.
Coding change: c.710C>T on transcript NM_022042.4 (MANE Select); coding-DNA position 710, C replaced by T.
Protein change: p.Pro237Leu; replaces proline 237 with leucine.
Molecular consequence: missense variant. On other transcripts: intron variant (2).
Genome position (GRCh38, 1-based): chr4:990,229, G>A on the plus strand (C>T on the coding strand, the complement: SLC26A1 is on the minus strand). VCF-style: chr4-990229-G-A. GRCh37 (hg19) VCF-style: chr4-984017-G-A.
Other names: c.710C>T, p.Pro237Leu (NM_213613.4); c.576+899C>T (NM_134425.4); c.299+2280G>A (NM_000203.5); short protein forms P237L.
Identifiers: ClinVar variation 2712405 (VCV002712405.4), dbSNP rs778482338, ClinGen allele CA2801569.

ClinVar aggregate classification (germline): Uncertain significance. Review status: criteria provided, multiple submitters, no conflicts (2 of 4 stars). 2 submissions from 2 submitters: Uncertain significance (2). Last evaluated 2025-03-18.

Conditions:
Hypersulfaturia (HYSULF). Identifiers: MedGen C5830511, MONDO:0957268, OMIM 620372.
Nephrolithiasis susceptibility caused by SLC26A1 (CAON1). Also called: NEPHROLITHIASIS, CALCIUM OXALATE, 1. Identifiers: MedGen C5779632, MONDO:0020722, OMIM 167030.

Allele frequency attached by ClinVar (database versions not stated): gnomAD exomes 0.00003; TOPMed 0.00003; gnomAD 0.00004.
gnomAD v4.1: 52 of 1,574,172 alleles (0.0033%); highest among the groups gnomAD compares: Middle Eastern, 0.033%; no homozygotes.

Submissions (2):

Labcorp Genetics (formerly Invitae), Labcorp
Classification: Uncertain significance. Last evaluated: 2025-03-18. Review status: criteria provided, single submitter. Criteria: Invitae Variant Classification Sherloc (09022015). Collection method: clinical testing. Allele origin: germline.
Comment: This sequence change replaces proline, which is neutral and non-polar, with leucine, which is neutral and non-polar, at codon 237 of the SLC26A1 protein (p.Pro237Leu). This variant is present in population databases (rs778482338, gnomAD 0.02%). This variant has not been reported in the literature in individuals affected with SLC26A1-related conditions. ClinVar contains an entry for this variant (Variation ID: 2712405). Invitae Evidence Modeling of protein sequence and biophysical properties (such as structural, functional, and spatial information, amino acid conservation, physicochemical variation, residue mobility, and thermodynamic stability) indicates that this missense variant is expected to disrupt SLC26A1 protein function with a positive predictive value of 80%. Experimental studies have shown that this missense change affects SLC26A1 function (PMID: 36719378). In summary, the available evidence is currently insufficient to determine the role of this variant in disease. Therefore, it has been classified as a Variant of Uncertain Significance.

Fulgent Genetics
Classification: Uncertain significance for Nephrolithiasis susceptibility caused by SLC26A1; Hypersulfaturia. Last evaluated: 2024-03-13. Review status: criteria provided, single submitter. Criteria: ACMG Guidelines, 2015. Collection method: clinical testing. Allele origin: germline.

Literature cited by the submitters: PubMed 36719378 (cited by Labcorp Genetics (formerly Invitae), Labcorp).